The following is an entry in ClinVar:

NM_000257.4(MYH7):c.4729G>T (p.Ala1577Ser)

Genes: MHRT (myosin heavy chain associated RNA transcript; plus strand), MYH7 (myosin heavy chain 7; minus strand), LOC126861897 (BRD4-independent group 4 enhancer GRCh37_chr14:23884455-23885654; plus strand). Cytogenetic location: 14q11.2.
Variant type: single nucleotide variant.
Coding change: c.4729G>T on transcript NM_000257.4 (MANE Select); coding-DNA position 4729, G replaced by T.
Protein change: p.Ala1577Ser; replaces alanine 1577 with serine.
Molecular consequence: missense variant. On other transcripts: non-coding transcript variant (1).
Genome position (GRCh38, 1-based): chr14:23,416,228, C>A on the plus strand (G>T on the coding strand, the complement: MYH7 is on the minus strand). VCF-style: chr14-23416228-C-A. GRCh37 (hg19) VCF-style: chr14-23885437-C-A.
Other names: short protein forms A1577S.
Identifiers: ClinVar variation 1442807 (VCV001442807.5), dbSNP rs1892202753, ClinGen allele CA389037767.

ClinVar aggregate classification (germline): Uncertain significance. Review status: criteria provided, multiple submitters, no conflicts (2 of 4 stars). 2 submissions from 2 submitters: Uncertain significance (2). Last evaluated 2023-12-21.

Conditions:
Hypertrophic cardiomyopathy. Also called: HYPERTROPHIC MYOCARDIOPATHY. Identifiers: Orphanet 217569, MedGen C0007194, MeSH D002312, MONDO:0005045, HP:0001639.

Allele frequency attached by ClinVar (database versions not stated): gnomAD exomes below 0.00001.
gnomAD v4.1: 1 of 1,614,064 alleles (0.000062%); highest among the groups gnomAD compares: Non-Finnish European, 0.000085%; no homozygotes.

Submissions (2):

Labcorp Genetics (formerly Invitae), Labcorp
Classification: Uncertain significance for Hypertrophic cardiomyopathy. Last evaluated: 2023-12-21. Review status: criteria provided, single submitter. Criteria: Invitae Variant Classification Sherloc (09022015). Collection method: clinical testing. Allele origin: germline.
Comment: This sequence change replaces alanine, which is neutral and non-polar, with serine, which is neutral and polar, at codon 1577 of the MYH7 protein (p.Ala1577Ser). This variant is not present in population databases (gnomAD no frequency). This variant has not been reported in the literature in individuals affected with MYH7-related conditions. ClinVar contains an entry for this variant (Variation ID: 1442807). Advanced modeling of protein sequence and biophysical properties (such as structural, functional, and spatial information, amino acid conservation, physicochemical variation, residue mobility, and thermodynamic stability) performed at Invitae indicates that this missense variant is not expected to disrupt MYH7 protein function with a negative predictive value of 95%. In summary, the available evidence is currently insufficient to determine the role of this variant in disease. Therefore, it has been classified as a Variant of Uncertain Significance.

Blueprint Genetics
Classification: Uncertain significance. Last evaluated: 2020-01-10. Review status: criteria provided, single submitter. Criteria: ACMG Guidelines, 2015. Collection method: clinical testing. Allele origin: germline.